The following is an entry in ClinVar:

NM_007294.4(BRCA1):c.5174A>G (p.Glu1725Gly)

Gene: BRCA1 (BRCA1 DNA repair associated; minus strand). Cytogenetic location: 17q21.31.
Variant type: single nucleotide variant.
Coding change: c.5174A>G on transcript NM_007294.4 (MANE Select); coding-DNA position 5174, A replaced by G.
Protein change: p.Glu1725Gly; replaces glutamic acid 1725 with glycine.
Molecular consequence: missense variant. On other transcripts: non-coding transcript variant (1).
Genome position (GRCh38, 1-based): chr17:43,063,352, T>C on the plus strand (A>G on the coding strand, the complement: BRCA1 is on the minus strand). VCF-style: chr17-43063352-T-C. GRCh37 (hg19) VCF-style: chr17-41215369-T-C.
Other names: c.1859A>G, p.Glu620Gly (NM_001408396.1, NM_001408473.1, NM_001408392.1 and 8 more transcripts); c.1856A>G, p.Glu619Gly (NM_001408408.1, NM_001408406.1, NM_001408407.1); c.1853A>G, p.Glu618Gly (NM_001408409.1); c.1790A>G, p.Glu597Gly (NM_001408410.1); c.1787A>G, p.Glu596Gly (NM_001408411.1); c.1784A>G, p.Glu595Gly (NM_001408412.1, NM_001408413.1, NM_001408414.1 and 2 more transcripts); c.1742A>G, p.Glu581Gly (NM_001408428.1, NM_001408429.1, NM_001408430.1 and 4 more transcripts); c.1739A>G, p.Glu580Gly (NM_001408432.1, NM_001408433.1, NM_001408434.1 and 10 more transcripts); and 72 more; short protein forms E1725G, E621G, E1746G, E1678G, E1428G, E1612G, E1635G, E1653G.
Identifiers: ClinVar variation 868771 (VCV000868771.10), dbSNP rs2051862353, ClinGen allele CA10591196.
Genomic context (GRCh38, chr17:43,063,352, plus strand): 5'-GAATGAATATCTCTGGTTAGTTTGTAACATCAAGTACTTACCTCATTCAGCATTTTTCTT[T>C]CTTTAATAGACTGGGTCACCCCTAAAGAGATCATAGAAAAGACAGGTTACATACAGCAGA-3'
Protein context (NP_009225.1, residues 1715-1735): SYFWVTQSIK[Glu1725Gly]RKMLNEHDFE

ClinVar aggregate classification (germline): Uncertain significance. Review status: criteria provided, multiple submitters, no conflicts (2 of 4 stars). 2 submissions from 2 submitters: Uncertain significance (2). Last evaluated 2024-04-15.

Conditions:
Hereditary breast ovarian cancer syndrome. Also called: Hereditary breast and ovarian cancer; Hereditary breast and ovarian cancer syndrome (HBOC); Breast and ovarian cancer; Hereditary breast and/or ovarian cancer syndrome; BRCA1- and BRCA2-Associated Hereditary Breast and Ovarian Cancer; Hereditary breast and ovarian cancer syndrome. Identifiers: Orphanet 145, MedGen C0677776, MeSH D061325, MONDO:0003582. Disease mechanism: loss of function.
Hereditary cancer-predisposing syndrome. Also called: Neoplastic Syndromes, Hereditary; Tumor predisposition; Hereditary Cancer Syndrome; Hereditary neoplastic syndrome. Identifiers: Orphanet 140162, MedGen C0027672, MeSH D009386, MONDO:0015356.

Submissions (3):

Labcorp Genetics (formerly Invitae), Labcorp
Classification: Uncertain significance for Hereditary breast ovarian cancer syndrome. Last evaluated: 2024-04-15. Review status: criteria provided, single submitter. Criteria: Invitae Variant Classification Sherloc (09022015). Collection method: clinical testing. Allele origin: germline.
Comment: This sequence change replaces glutamic acid, which is acidic and polar, with glycine, which is neutral and non-polar, at codon 1725 of the BRCA1 protein (p.Glu1725Gly). This variant is not present in population databases (gnomAD no frequency). This variant has not been reported in the literature in individuals affected with BRCA1-related conditions. ClinVar contains an entry for this variant (Variation ID: 868771). Advanced modeling performed at Invitae incorporating data from internal and/or published experimental studies (PMID: 30209399) indicates that this missense variant is not expected to disrupt BRCA1 function with a negative predictive value of 95%. Experimental studies have shown that this missense change does not substantially affect BRCA1 function (PMID: 30209399). In summary, the available evidence is currently insufficient to determine the role of this variant in disease. Therefore, it has been classified as a Variant of Uncertain Significance.

Ambry Genetics
Classification: Uncertain significance for Hereditary cancer-predisposing syndrome. Last evaluated: 2020-08-10. Review status: criteria provided, single submitter. Criteria: Ambry Variant Classification Scheme 2023. Collection method: clinical testing. Allele origin: germline.
Comment: The p.E1725G variant (also known as c.5174A>G), located in coding exon 17 of the BRCA1 gene, results from an A to G substitution at nucleotide position 5174. The glutamic acid at codon 1725 is replaced by glycine, an amino acid with similar properties. One functional study found that this nucleotide substitution is functional in a high throughput genome editing haploid cell survival assay (Findlay GM et al. Nature, 2018 10;562:217-222). This amino acid position is well conserved in available vertebrate species. In addition, the in silico prediction for this alteration is inconclusive. Since supporting evidence is limited at this time, the clinical significance of this alteration remains unclear.

Brotman Baty Institute, University of Washington
No classification provided (evidence only). Condition: Breast-ovarian cancer, familial 1. Review status: no classification provided. Collection method: in vitro. Allele origin: not applicable. Functional consequence: functionally_normal. Not counted in ClinVar's aggregate classification.
ClinVar note: "not provided" was previously submitted as the classification for the variant. However, the classification appeared to be based only on an observation of functional data so it was converted to no classification on 2025-07-30.

Literature cited by the submitters: PubMed 30209399 (cited by Labcorp Genetics (formerly Invitae), Labcorp and Ambry Genetics).